The following is an entry in ClinVar:

NM_017947.4(MOCOS):c.1841G>A (p.Arg614Gln)

Gene: MOCOS (molybdenum cofactor sulfurase; plus strand). Cytogenetic location: 18q12.2.
Variant type: single nucleotide variant.
Coding change: c.1841G>A on transcript NM_017947.4 (MANE Select); coding-DNA position 1841, G replaced by A.
Protein change: p.Arg614Gln; replaces arginine 614 with glutamine.
Molecular consequence: missense variant.
Genome position (GRCh38, 1-based): chr18:36,220,098, G>A. VCF-style: chr18-36220098-G-A. GRCh37 (hg19) VCF-style: chr18-33800061-G-A.
Other names: short protein forms R614Q.
Identifiers: ClinVar variation 4810212 (VCV004810212.1).

ClinVar aggregate classification (germline): Uncertain significance (1 of 4 stars; one submission).

Conditions:
Xanthinuria type II. Also called: Xanthine dehydrogenase and aldehyde oxidase combined deficiency of; XDH and AOX dual deficiency. Identifiers: Orphanet 3467, Orphanet 93602, MedGen C1863688, MONDO:0011346, OMIM 603592.

gnomAD v4.1: 29 of 1,613,714 alleles (0.0018%); highest among the groups gnomAD compares: South Asian, 0.018%; 1 homozygote.

Submission:

Labcorp Genetics (formerly Invitae), Labcorp
Classification: Uncertain significance for Xanthinuria type II. Last evaluated: 2025-06-16. Review status: criteria provided, single submitter. Criteria: Invitae Variant Classification Sherloc (09022015). Collection method: clinical testing. Allele origin: germline.
Comment: This sequence change replaces arginine, which is basic and polar, with glutamine, which is neutral and polar, at codon 614 of the MOCOS protein (p.Arg614Gln). This variant is present in population databases (rs757932458, gnomAD 0.03%). This variant has not been reported in the literature in individuals affected with MOCOS-related conditions. Invitae Evidence Modeling of protein sequence and biophysical properties (such as structural, functional, and spatial information, amino acid conservation, physicochemical variation, residue mobility, and thermodynamic stability) indicates that this missense variant is expected to disrupt MOCOS protein function with a positive predictive value of 80%. In summary, the available evidence is currently insufficient to determine the role of this variant in disease. Therefore, it has been classified as a Variant of Uncertain Significance.